The following is an entry in ClinVar:

ClinVar aggregate classification (germline): Benign/Likely benign. Review status: criteria provided, multiple submitters, no conflicts (2 of 4 stars). 5 submissions from 5 submitters: Benign (1); Likely benign (4). Last evaluated 2026-06-01.

Allele frequency attached by ClinVar (database versions not stated): 1000 Genomes Project 0.00060; 1000 Genomes Project 30x 0.00062; gnomAD 0.00130 and 0.00134; TOPMed 0.00136; gnomAD exomes 0.00139 and 0.00265; ExAC 0.00174; ESP Exome Variant Server 0.00231.
gnomAD v4.1: 3,990 of 1,610,560 alleles (0.25%); highest among the groups gnomAD compares: Non-Finnish European, 0.32%; 8 homozygotes.

Submissions (5):

CeGaT Center for Human Genetics Tuebingen
Classification: Likely benign. Last evaluated: 2026-06-01. Review status: criteria provided, single submitter. Criteria: CeGaT Center For Human Genetics Tuebingen Variant Classification Criteria Version 2. Collection method: clinical testing. Allele origin: germline. Affected: yes. Observed: 6 variant alleles.
Comment: TUBGCP6: BP4, BP7

Labcorp Genetics (formerly Invitae), Labcorp
Classification: Benign. Last evaluated: 2026-02-01. Review status: criteria provided, single submitter. Criteria: Invitae Variant Classification Sherloc (09022015). Collection method: clinical testing. Allele origin: germline.

Blueprint Genetics
Classification: Likely benign. Last evaluated: 2024-11-28. Review status: criteria provided, single submitter. Criteria: ACMG Guidelines, 2015. Collection method: clinical testing. Allele origin: germline.

Genetic Services Laboratory, University of Chicago
Classification: Likely benign. Last evaluated: 2016-01-22. Review status: criteria provided, single submitter. Criteria: ACMG Guidelines, 2015. Collection method: clinical testing. Allele origin: germline. Affected: no.

Breakthrough Genomics
Classification: Likely benign. Review status: criteria provided, single submitter. Criteria: ACMG Guidelines, 2015. Collection method: not provided. Allele origin: germline. Inheritance: Autosomal recessive inheritance. Affected: yes.

NM_020461.4(TUBGCP6):c.2991C>T (p.Ser997=)

Gene: TUBGCP6 (tubulin gamma complex component 6; minus strand). Cytogenetic location: 22q13.33.
Variant type: single nucleotide variant.
Coding change: c.2991C>T on transcript NM_020461.4 (MANE Select); coding-DNA position 2991, C replaced by T.
Protein change: p.Ser997=; no amino-acid change (serine 997 retained).
Molecular consequence: synonymous variant.
Genome position (GRCh38, 1-based): chr22:50,221,368, G>A on the plus strand (C>T on the coding strand, the complement: TUBGCP6 is on the minus strand). VCF-style: chr22-50221368-G-A. GRCh37 (hg19) VCF-style: chr22-50659797-G-A.
Identifiers: ClinVar variation 437153 (VCV000437153.45), dbSNP rs143388326, ClinGen allele CA10308078.